The following is an entry in ClinVar:

NM_000397.4(CYBB):c.1315-1G>A

Gene: CYBB (cytochrome b-245 beta chain; plus strand). Cytogenetic location: Xp11.4.
Variant type: single nucleotide variant.
Coding change: c.1315-1G>A on transcript NM_000397.4 (MANE Select); the canonical splice acceptor site of the intron before coding-DNA position 1315, G replaced by A.
Molecular consequence: splice acceptor variant.
Genome position (GRCh38, 1-based): chrX:37,806,386, G>A. VCF-style: chrX-37806386-G-A. GRCh37 (hg19) VCF-style: chrX-37665639-G-A.
Identifiers: ClinVar variation 533555 (VCV000533555.9), dbSNP rs1556471620, ClinGen allele CA412977971.

ClinVar aggregate classification (germline): Pathogenic (1 of 4 stars; one submission).

Conditions:
Granulomatous disease, chronic, X-linked. Also called: CYTOCHROME b-NEGATIVE GRANULOMATOUS DISEASE, CHRONIC, X-LINKED; GRANULOMATOUS DISEASE, CHRONIC, X-LINKED, SOMATIC MOSAIC. Identifiers: Orphanet 379, MedGen C1844376, MONDO:0010600, OMIM 306400.

Submission:

Labcorp Genetics (formerly Invitae), Labcorp
Classification: Pathogenic for Granulomatous disease, chronic, X-linked. Last evaluated: 2022-10-28. Review status: criteria provided, single submitter. Criteria: Invitae Variant Classification Sherloc (09022015). Collection method: clinical testing. Allele origin: germline.
Comment: For these reasons, this variant has been classified as Pathogenic. Algorithms developed to predict the effect of sequence changes on RNA splicing suggest that this variant may disrupt the consensus splice site. ClinVar contains an entry for this variant (Variation ID: 533555). Disruption of this splice site has been observed in individuals with chronic granulomatous disease (PMID: 9585602; Invitae). This variant is not present in population databases (gnomAD no frequency). This sequence change affects an acceptor splice site in intron 10 of the CYBB gene. It is expected to disrupt RNA splicing. Variants that disrupt the donor or acceptor splice site typically lead to a loss of protein function (PMID: 16199547), and loss-of-function variants in CYBB are known to be pathogenic (PMID: 9585602, 20729109).

Literature cited by the submitters: PubMed 9585602; PubMed 16199547; PubMed 20729109.